The following is an entry in ClinVar:

ClinVar aggregate classification (germline): Uncertain significance. Review status: criteria provided, multiple submitters, no conflicts (2 of 4 stars). 2 submissions from 2 submitters: Uncertain significance (2). Last evaluated 2026-06-01.

Conditions:
Inborn genetic diseases. Identifiers: MedGen C0950123, MeSH D030342.

Allele frequency attached by ClinVar (database versions not stated): gnomAD exomes 0.00001.
gnomAD v4.1: 13 of 1,599,442 alleles (0.00081%); highest among the groups gnomAD compares: Non-Finnish European, 0.001%; no homozygotes.

Submissions (2):

CeGaT Center for Human Genetics Tuebingen
Classification: Uncertain significance. Last evaluated: 2026-06-01. Review status: criteria provided, single submitter. Criteria: CeGaT Center For Human Genetics Tuebingen Variant Classification Criteria Version 2. Collection method: clinical testing. Allele origin: germline. Affected: yes. Observed: 1 variant allele.

Ambry Genetics
Classification: Uncertain significance for Inborn genetic diseases. Last evaluated: 2017-11-03. Review status: criteria provided, single submitter. Criteria: Ambry Variant Classification Scheme 2023. Collection method: clinical testing. Allele origin: germline.
Comment: The p.P244L variant (also known as c.731C>T), located in coding exon 1 of the CHD8 gene, results from a C to T substitution at nucleotide position 731. The proline at codon 244 is replaced by leucine, an amino acid with similar properties. This amino acid position is highly conserved in available vertebrate species. In addition, this alteration is predicted to be deleterious by in silico analysis. Since supporting evidence is limited at this time, the clinical significance of this alteration remains unclear.

NM_001170629.2(CHD8):c.731C>T (p.Pro244Leu)

Gene: CHD8 (chromodomain helicase DNA binding protein 8; minus strand). Cytogenetic location: 14q11.2.
Variant type: single nucleotide variant.
Coding change: c.731C>T on transcript NM_001170629.2 (MANE Select); coding-DNA position 731, C replaced by T.
Protein change: p.Pro244Leu; replaces proline 244 with leucine.
Molecular consequence: missense variant. On other transcripts: intron variant (1).
Genome position (GRCh38, 1-based): chr14:21,430,913, G>A on the plus strand (C>T on the coding strand, the complement: CHD8 is on the minus strand). VCF-style: chr14-21430913-G-A. GRCh37 (hg19) VCF-style: chr14-21899072-G-A.
Other names: c.6+898C>T (NM_020920.4); short protein forms P244L.
Identifiers: ClinVar variation 1758300 (VCV001758300.4), dbSNP rs2502014437, ClinGen allele CA388886449.